The following is an entry in ClinVar:

NM_006030.4(CACNA2D2):c.1701G>C (p.Gln567His)

Gene: CACNA2D2 (calcium voltage-gated channel auxiliary subunit alpha2delta 2; minus strand). Cytogenetic location: 3p21.31.
Variant type: single nucleotide variant.
Coding change: c.1701G>C on transcript NM_006030.4 (MANE Select); coding-DNA position 1701, G replaced by C.
Protein change: p.Gln567His; replaces glutamine 567 with histidine.
Molecular consequence: missense variant.
Genome position (GRCh38, 1-based): chr3:50,376,114, C>G on the plus strand (G>C on the coding strand, the complement: CACNA2D2 is on the minus strand). VCF-style: chr3-50376114-C-G. GRCh37 (hg19) VCF-style: chr3-50413545-C-G.
Other names: c.1701G>C, p.Gln567His (NM_001005505.3, NM_001174051.3, NM_001410768.1); c.1494G>C, p.Gln498His (NM_001291101.1); short protein forms Q567H, Q498H.
Identifiers: ClinVar variation 2023488 (VCV002023488.4), dbSNP rs1704972121, ClinGen allele CA352925262.
Genomic context (GRCh38, chr3:50,376,114, plus strand): 5'-AAGTCAGAAGTCCCCATTGTGGAAGGTTTGCCCACCCTCCAGGCCACCCGTCTGGCTCAC[C>G]TGGGGCTTGAGATTGGGGTGCAGCAACACGTAGCCGTTCAGGTCAATGGCAAACACATAG-3'
Protein context (NP_006021.2, residues 557-577): YVLLHPNLKP[Gln567His]TTNFREPVTL

ClinVar aggregate classification (germline): Uncertain significance (1 of 4 stars; one submission).

Conditions:
Early-infantile DEE. Also called: Ohtahara syndrome; Early infantile epileptic encephalopathy with suppression bursts; Early infantile epileptic encephalopathy. Identifiers: Orphanet 1934, MedGen C0393706, MONDO:0800491.

Allele frequency attached by ClinVar (database versions not stated): TOPMed 0.00001; gnomAD 0.00001.
gnomAD v4.1: 1 of 1,613,350 alleles (0.000062%); highest among the groups gnomAD compares: Admixed American, 0.0017%; no homozygotes.

Submission:

Labcorp Genetics (formerly Invitae), Labcorp
Classification: Uncertain significance for Early-infantile DEE. Last evaluated: 2022-09-17. Review status: criteria provided, single submitter. Criteria: Invitae Variant Classification Sherloc (09022015). Collection method: clinical testing. Allele origin: germline.
Comment: This variant is not present in population databases (gnomAD no frequency). This sequence change replaces glutamine, which is neutral and polar, with histidine, which is basic and polar, at codon 567 of the CACNA2D2 protein (p.Gln567His). This variant also falls at the last nucleotide of exon 18, which is part of the consensus splice site for this exon. In summary, the available evidence is currently insufficient to determine the role of this variant in disease. Therefore, it has been classified as a Variant of Uncertain Significance. Variants that disrupt the consensus splice site are a relatively common cause of aberrant splicing (PMID: 17576681, 9536098). Algorithms developed to predict the effect of sequence changes on RNA splicing suggest that this variant may disrupt the consensus splice site. Algorithms developed to predict the effect of missense changes on protein structure and function are either unavailable or do not agree on the potential impact of this missense change (SIFT: "Deleterious"; PolyPhen-2: "Probably Damaging"; Align-GVGD: "Class C0"). This variant has not been reported in the literature in individuals affected with CACNA2D2-related conditions.

Literature cited by the submitters: PubMed 17576681; PubMed 9536098.